The following is an entry in ClinVar:

ClinVar aggregate classification (germline): Conflicting classifications of pathogenicity. Review status: criteria provided, conflicting classifications (1 of 4 stars). 4 submissions from 4 submitters: Uncertain significance (1); Likely benign (2). 1 of the submissions does not count toward it. Last evaluated 2026-09-01.

Conditions:
Nemaline myopathy 2 (NEM2). Also called: Nemaline myopathy 2, autosomal recessive. Identifiers: MedGen C1850569, MONDO:0009725, OMIM 256030.

Allele frequency attached by ClinVar (database versions not stated): gnomAD 0.00010; ExAC 0.00013; TOPMed 0.00014; 1000 Genomes Project 30x 0.00016; 1000 Genomes Project 0.00020; ESP Exome Variant Server 0.00042.
gnomAD v4.1: 353 of 1,611,022 alleles (0.022%); highest among the groups gnomAD compares: Non-Finnish European, 0.028%; no homozygotes.

Submissions (4):

CeGaT Center for Human Genetics Tuebingen
Classification: Likely benign. Last evaluated: 2026-09-01. Review status: criteria provided, single submitter. Criteria: CeGaT Center For Human Genetics Tuebingen Variant Classification Criteria Version 2. Collection method: clinical testing. Allele origin: germline. Affected: yes. Observed: 1 variant allele.
Comment: NEB: BP4, BP7

Labcorp Genetics (formerly Invitae), Labcorp
Classification: Likely benign for Nemaline myopathy 2. Last evaluated: 2026-01-20. Review status: criteria provided, single submitter. Criteria: Invitae Variant Classification Sherloc (09022015). Collection method: clinical testing. Allele origin: germline.

Illumina Laboratory Services, Illumina
Classification: Uncertain significance for Nemaline myopathy 2. Last evaluated: 2018-01-13. Review status: criteria provided, single submitter. Criteria: ICSL Variant Classification Criteria 13 December 2019. Collection method: clinical testing. Allele origin: germline.

Natera, Inc.
Classification: Likely benign for Nemaline myopathy type 2. Last evaluated: 2020-04-27. Review status: no assertion criteria provided. Collection method: clinical testing. Allele origin: germline. Not counted in ClinVar's aggregate classification.

NM_001164508.2(NEB):c.1182A>C (p.Thr394=)

Gene: NEB (nebulin; minus strand). Cytogenetic location: 2q23.3.
Variant type: single nucleotide variant.
Coding change: c.1182A>C on transcript NM_001164508.2 (MANE Select); coding-DNA position 1182, A replaced by C.
Protein change: p.Thr394=; no amino-acid change (threonine 394 retained).
Molecular consequence: synonymous variant.
Genome position (GRCh38, 1-based): chr2:151,697,619, T>G on the plus strand (A>C on the coding strand, the complement: NEB is on the minus strand). VCF-style: chr2-151697619-T-G. GRCh37 (hg19) VCF-style: chr2-152554133-T-G.
Other names: c.1182A>C, p.Thr394= (NM_001164507.2, NM_001271208.2, NM_004543.5).
Identifiers: ClinVar variation 705971 (VCV000705971.18), dbSNP rs186233985, ClinGen allele CA1911662.
Genomic context (GRCh38, chr2:151,697,619, plus strand): 5'-CTGCAGAACAGTATCGAGCTTGAATTTGGGGGTCTCGCAGTAATTTATGCTCTTTGCTTT[T>G]GTCTTTTCATAGTTTTCCTTGTATAGTTTCTGTCAAAGAAAAAAAATTCAGTTAAAGTAG-3'
Protein context (NP_001157980.2, residues 384-404): DKLYKENYEK[Thr394=]KAKSINYCET